The following is an entry in ClinVar:

NM_003384.3(VRK1):c.889+163A>T

Gene: VRK1 (VRK serine/threonine kinase 1; plus strand). Cytogenetic location: 14q32.2.
Variant type: single nucleotide variant.
Coding change: c.889+163A>T on transcript NM_003384.3 (MANE Select); 163 bases into the intron after coding-DNA position 889, A replaced by T.
Molecular consequence: intron variant.
Genome position (GRCh38, 1-based): chr14:96,856,749, A>T. VCF-style: chr14-96856749-A-T. GRCh37 (hg19) VCF-style: chr14-97323086-A-T.
Identifiers: ClinVar variation 672718 (VCV000672718.1), dbSNP rs45452297, ClinGen allele CA13984170.
Genomic context (GRCh38, chr14:96,856,749, plus strand): 5'-CCAGGCATGGTGGCTCACACCTGTAATCCCAGCACTTTGGGAGGCTGAGGTGGGTGGATC[A>T]CGAGGTCAGGAGATCAAGACCATCCTGGCTAACATGGTGAAGCCTCATCTCTACTAAAAG-3'

ClinVar aggregate classification (germline): Benign (1 of 4 stars; one submission).

Allele frequency attached by ClinVar (database versions not stated): 1000 Genomes Project 0.06709; 1000 Genomes Project 30x 0.06730; TOPMed 0.12413; gnomAD 0.12982 and 0.13384.
gnomAD v4.1: 19,908 of 152,140 alleles (13%); highest among the groups gnomAD compares: Non-Finnish European, 19%; 1,652 homozygotes.

Submission:

GeneDx
Classification: Benign. Last evaluated: 2018-06-19. Review status: criteria provided, single submitter. Criteria: GeneDx Variant Classification (06012015). Collection method: clinical testing. Allele origin: germline. Affected: yes.
Comment: This variant is considered likely benign or benign based on one or more of the following criteria: it is a conservative change, it occurs at a poorly conserved position in the protein, it is predicted to be benign by multiple in silico algorithms, and/or has population frequency not consistent with disease.